The following is an entry in ClinVar:

ClinVar aggregate classification (germline): Uncertain significance (1 of 4 stars; one submission).

gnomAD v4.1: 61 of 1,436,698 alleles (0.0042%); highest among the groups gnomAD compares: Admixed American, 0.018%; no homozygotes.

Submission:

GeneDx
Classification: Uncertain significance. Last evaluated: 2025-03-13. Review status: criteria provided, single submitter. Criteria: GeneDx Variant Classification Process June 2021. Collection method: clinical testing. Allele origin: germline. Affected: yes.
Comment: Observed with a variant on the opposite allele (in trans) in siblings with variable features including intellectual disability, developmental delay, seizures, short stature, microcephaly, hypotonia, spastcity, dysmorphic features, and abnormal brain MRI in published literature (PMID: 32763916); In silico analysis indicates that this missense variant does not alter protein structure/function; This variant is associated with the following publications: (PMID: 31687266, 32763916, 38496416, 35405382)

NM_138422.4(ADAT3):c.587C>T (p.Ala196Val)

Genes: ADAT3 (adenosine deaminase tRNA specific 3; plus strand), SCAMP4 (secretory carrier membrane protein 4; plus strand). Cytogenetic location: 19p13.3.
Variant type: single nucleotide variant.
Coding change: c.587C>T on transcript NM_138422.4 (MANE Select); coding-DNA position 587, C replaced by T.
Protein change: p.Ala196Val; replaces alanine 196 with valine.
Molecular consequence: missense variant. On other transcripts: intron variant (3).
Genome position (GRCh38, 1-based): chr19:1,912,634, C>T. VCF-style: chr19-1912634-C-T. GRCh37 (hg19) VCF-style: chr19-1912633-C-T.
Other names: c.539C>T, p.Ala180Val (NM_001329533.2); c.-41-2345C>T (NM_079834.4, NM_001329540.2); c.-125-5060C>T (NM_001329539.2); short protein forms A180V, A196V.
Identifiers: ClinVar variation 4086440 (VCV004086440.1).